The following is an entry in ClinVar:

ClinVar aggregate classification (germline): Benign/Likely benign. Review status: criteria provided, multiple submitters, no conflicts (2 of 4 stars). 5 submissions from 5 submitters: Benign (1); Likely benign (4). Last evaluated 2026-01-26.

Conditions:
Cardiovascular phenotype. Identifiers: MedGen CN230736.
Catecholaminergic polymorphic ventricular tachycardia 2. Also called: CASQ2-Related Catecholaminergic Polymorphic Ventricular Tachycardia; VENTRICULAR TACHYCARDIA, STRESS-INDUCED POLYMORPHIC 2. Identifiers: Orphanet 3286, MedGen C2677794, MONDO:0012762, OMIM 611938.
Catecholaminergic polymorphic ventricular tachycardia 1. Also called: VENTRICULAR TACHYCARDIA, CATECHOLAMINERGIC POLYMORPHIC, 1, WITH OR WITHOUT ATRIAL DYSFUNCTION AND/OR DILATED CARDIOMYOPATHY; RYR2-Related Catecholaminergic Polymorphic Ventricular Tachycardia; VENTRICULAR TACHYCARDIA, STRESS-INDUCED POLYMORPHIC 1. Identifiers: Orphanet 3286, MedGen C1631597, MONDO:0011484, OMIM 604772.

Allele frequency attached by ClinVar (database versions not stated): gnomAD 0.00025 and 0.00028; ESP Exome Variant Server 0.00031; TOPMed 0.00031.
gnomAD v4.1: 79 of 1,613,262 alleles (0.0049%); highest among the groups gnomAD compares: African/African-American, 0.1%; no homozygotes.

Submissions (5):

Labcorp Genetics (formerly Invitae), Labcorp
Classification: Likely benign for Catecholaminergic polymorphic ventricular tachycardia 1. Last evaluated: 2026-01-26. Review status: criteria provided, single submitter. Criteria: Invitae Variant Classification Sherloc (09022015). Collection method: clinical testing. Allele origin: germline.

Genome-Nilou Lab
Classification: Likely benign for Catecholaminergic polymorphic ventricular tachycardia 2. Last evaluated: 2023-04-11. Review status: criteria provided, single submitter. Criteria: ACMG Guidelines, 2015. Collection method: clinical testing. Allele origin: germline. Affected: no.

Ambry Genetics
Classification: Likely benign for Cardiovascular phenotype. Last evaluated: 2017-06-16. Review status: criteria provided, single submitter. Criteria: Ambry Variant Classification Scheme 2023. Collection method: clinical testing. Allele origin: germline.

GeneDx
Classification: Benign. Last evaluated: 2014-01-06. Review status: criteria provided, single submitter. Criteria: GeneDx Variant Classification (06012015). Collection method: clinical testing. Allele origin: germline. Affected: yes.
Comment: This variant is considered likely benign or benign based on one or more of the following criteria: it is a conservative change, it occurs at a poorly conserved position in the protein, it is predicted to be benign by multiple in silico algorithms, and/or has population frequency not consistent with disease.

Laboratory for Molecular Medicine, Mass General Brigham Personalized Medicine
Classification: Likely benign. Last evaluated: 2012-03-19. Review status: criteria provided, single submitter. Criteria: LMM Criteria. Collection method: clinical testing. Allele origin: germline. Observed: 2 variant alleles.
Comment: p.Ile287Ile in exon 9 of CASQ2: This variant is not expected to have clinical si gnificance because it does not alter an amino acid residue and is not located wi thin the splice consensus sequence. It has been identified in 0.1% (3/3738) of A frican American chromosomes from a broad population by the NHLBI Exome Sequencin g Project (dbSNP rs143718767).

NM_001232.4(CASQ2):c.861C>A (p.Ile287=)

Gene: CASQ2 (calsequestrin 2; minus strand). Cytogenetic location: 1p13.1.
Variant type: single nucleotide variant.
Coding change: c.861C>A on transcript NM_001232.4 (MANE Select); coding-DNA position 861, C replaced by A.
Protein change: p.Ile287=; no amino-acid change (isoleucine 287 retained).
Molecular consequence: synonymous variant.
Genome position (GRCh38, 1-based): chr1:115,705,270, G>T on the plus strand (C>A on the coding strand, the complement: CASQ2 is on the minus strand). VCF-style: chr1-115705270-G-T. GRCh37 (hg19) VCF-style: chr1-116247891-G-T.
Other names: p.I287I:ATC>ATA.
Identifiers: ClinVar variation 136657 (VCV000136657.19), dbSNP rs143718767, ClinGen allele CA295676.
Genomic context (GRCh38, chr1:115,705,270, plus strand): 5'-GTCGATCCACAGGATGCTCAGATCGGGGTTGTCAGTATTGTCCCGGGCAACCTGTTTCAG[G>T]ATCTCCAGGAATTCGTAGCCATCTGAAACAGGATTCAAGAGAGTTGAGTAACCCCTGCAC-3'
Protein context (NP_001223.2, residues 277-297): SDPDGYEFLE[Ile287=]LKQVARDNTD